The following is an entry in ClinVar:

NM_003072.5(SMARCA4):c.233C>A (p.Ser78Tyr)

Gene: SMARCA4 (SWI/SNF related BAF chromatin remodeling complex subunit ATPase 4; plus strand). Cytogenetic location: 19p13.2.
Variant type: single nucleotide variant.
Coding change: c.233C>A on transcript NM_003072.5 (MANE Select); coding-DNA position 233, C replaced by A.
Protein change: p.Ser78Tyr; replaces serine 78 with tyrosine.
Molecular consequence: missense variant. On other transcripts: non-coding transcript variant (1).
Genome position (GRCh38, 1-based): chr19:10,985,283, C>A. VCF-style: chr19-10985283-C-A. GRCh37 (hg19) VCF-style: chr19-11095959-C-A.
Other names: c.233C>A, p.Ser78Tyr (NM_001128844.3, NM_001128845.2, NM_001128846.2 and 5 more transcripts); short protein forms S78Y.
Identifiers: ClinVar variation 484883 (VCV000484883.16), dbSNP rs1555751949, ClinGen allele CA404055095.

ClinVar aggregate classification (germline): Uncertain significance. Review status: criteria provided, multiple submitters, no conflicts (2 of 4 stars). 3 submissions from 3 submitters: Uncertain significance (3). Last evaluated 2026-01-21.

Conditions:
Hereditary cancer-predisposing syndrome. Also called: Neoplastic Syndromes, Hereditary; Tumor predisposition; Hereditary Cancer Syndrome; Hereditary neoplastic syndrome. Identifiers: Orphanet 140162, MedGen C0027672, MeSH D009386, MONDO:0015356.
Rhabdoid tumor predisposition syndrome 2 (RTPS2). Identifiers: Orphanet 231108, Orphanet 69077, MedGen C2750074, MONDO:0013224, OMIM 613325.

Submissions (3):

Labcorp Genetics (formerly Invitae), Labcorp
Classification: Uncertain significance for Rhabdoid tumor predisposition syndrome 2. Last evaluated: 2026-01-21. Review status: criteria provided, single submitter. Criteria: Invitae Variant Classification Sherloc (09022015). Collection method: clinical testing. Allele origin: germline.
Comment: This sequence change replaces serine, which is neutral and polar, with tyrosine, which is neutral and polar, at codon 78 of the SMARCA4 protein (p.Ser78Tyr). This variant is not present in population databases (gnomAD no frequency). This variant has not been reported in the literature in individuals affected with SMARCA4-related conditions. ClinVar contains an entry for this variant (Variation ID: 484883). Invitae Evidence Modeling of protein sequence and biophysical properties (such as structural, functional, and spatial information, amino acid conservation, physicochemical variation, residue mobility, and thermodynamic stability) indicates that this missense variant is not expected to disrupt SMARCA4 protein function with a negative predictive value of 80%. In summary, the available evidence is currently insufficient to determine the role of this variant in disease. Therefore, it has been classified as a Variant of Uncertain Significance.

Ambry Genetics
Classification: Uncertain significance for Hereditary cancer-predisposing syndrome. Last evaluated: 2025-06-08. Review status: criteria provided, single submitter. Criteria: Ambry Variant Classification Scheme 2023. Collection method: clinical testing. Allele origin: germline.
Comment: The p.S78Y variant (also known as c.233C>A), located in coding exon 2 of the SMARCA4 gene, results from a C to A substitution at nucleotide position 233. The serine at codon 78 is replaced by tyrosine, an amino acid with dissimilar properties. This amino acid position is not well conserved in available vertebrate species. In addition, the in silico prediction for this alteration is inconclusive. Missense and in-frame variants in SMARCA4 are known to cause neurodevelopmental disorders; however, such associations with rhabdoid tumor predisposition syndrome including small cell carcinoma of the ovary-hypercalcemic type (SCCOHT) are exceedingly rare (Kosho T et al. Am J Med Genet C Semin Med Genet. 2014 Sep;166C(3):262-75; Jelinic P et al. Nat Genet. 2014 May;46(5):424-6). Based on the supporting evidence, the association of this alteration with Coffin-Siris syndrome is unknown; however, the association of this alteration with rhabdoid tumor predisposition syndrome is unlikely.

Baylor Genetics
Classification: Uncertain significance for Rhabdoid tumor predisposition syndrome 2. Last evaluated: 2024-02-08. Review status: criteria provided, single submitter. Criteria: ACMG Guidelines, 2015. Collection method: clinical testing. Allele origin: unknown.